The following is an entry in ClinVar:

NM_001297.5(CNGB1):c.412+1G>T

Gene: CNGB1 (cyclic nucleotide gated channel subunit beta 1; minus strand). Cytogenetic location: 16q21.
Variant type: single nucleotide variant.
Coding change: c.412+1G>T on transcript NM_001297.5 (MANE Select); the canonical splice donor site of the intron after coding-DNA position 412, G replaced by T.
Molecular consequence: splice donor variant.
Genome position (GRCh38, 1-based): chr16:57,962,841, C>A on the plus strand (G>T on the coding strand, the complement: CNGB1 is on the minus strand). VCF-style: chr16-57962841-C-A. GRCh37 (hg19) VCF-style: chr16-57996745-C-A.
Other names: c.412+1G>T (NM_001286130.2, NM_001135639.2).
Identifiers: ClinVar variation 2781641 (VCV002781641.5), dbSNP rs1377594602, ClinGen allele CA396079301.

ClinVar aggregate classification (germline): Likely pathogenic. Review status: criteria provided, multiple submitters, no conflicts (2 of 4 stars). 2 submissions from 2 submitters: Likely pathogenic (2). Last evaluated 2024-10-14.

Conditions:
Retinitis pigmentosa (RP). Identifiers: Orphanet 791, MedGen C0035334, MeSH D012174, MONDO:0019200, OMIM 268000. Inheritance: Autosomal dominant, autosomal recessive and X linked inheritance.

Submissions (2):

Women's Health and Genetics/Laboratory Corporation of America, LabCorp
Classification: Likely pathogenic for Retinitis pigmentosa. Last evaluated: 2024-10-14. Review status: criteria provided, single submitter. Criteria: LabCorp Variant Classification Summary - May 2015. Collection method: clinical testing. Allele origin: germline.
Comment: Variant summary: CNGB1 c.412+1G>T is located in a canonical splice-site and is predicted to affect mRNA splicing resulting in a significantly altered protein due to either exon skipping, shortening, or inclusion of intronic material. Variants that disrupt the consensus splice site are a relatively common cause of aberrant splicing and loss of CNGB1 function. Several computational tools predict a significant impact on normal splicing: Four predict the variant abolishes a canonical 5' splicing donor site. However, these predictions have yet to be confirmed by functional studies. The frequency data for this variant in gnomAD is considered unreliable, as metrics indicate poor data quality at this position. c.412+1G>T has been reported in the literature in a homozygous individual affected with Retinitis Pigmentosa (e.g., DelPozo_2022). These data indicate that the variant may be associated with disease. To our knowledge, no experimental evidence demonstrating an impact on protein function has been reported. The following publication has been ascertained in the context of this evaluation (PMID: 35119454). ClinVar contains an entry for this variant (Variation ID: 2781641). Based on the evidence outlined above, the variant was classified as likely pathogenic.

Labcorp Genetics (formerly Invitae), Labcorp
Classification: Likely pathogenic. Last evaluated: 2023-06-20. Review status: criteria provided, single submitter. Criteria: Invitae Variant Classification Sherloc (09022015). Collection method: clinical testing. Allele origin: germline.
Comment: In summary, the currently available evidence indicates that the variant is pathogenic, but additional data are needed to prove that conclusively. Therefore, this variant has been classified as Likely Pathogenic. Algorithms developed to predict the effect of sequence changes on RNA splicing suggest that this variant may disrupt the consensus splice site. Disruption of this splice site has been observed in individual(s) with clinical features of CNGB1-related conditions (PMID: 35119454). This variant is not present in population databases (gnomAD no frequency). This sequence change affects a donor splice site in intron 6 of the CNGB1 gene. It is expected to disrupt RNA splicing. Variants that disrupt the donor or acceptor splice site typically lead to a loss of protein function (PMID: 16199547), and loss-of-function variants in CNGB1 are known to be pathogenic (PMID: 15557452, 24043777).

Literature cited by the submitters: PubMed 35119454 (cited by Women's Health and Genetics/Laboratory Corporation of America, LabCorp and Labcorp Genetics (formerly Invitae), Labcorp); PubMed 16199547 (cited by Labcorp Genetics (formerly Invitae), Labcorp); PubMed 15557452 (cited by Labcorp Genetics (formerly Invitae), Labcorp); PubMed 24043777 (cited by Labcorp Genetics (formerly Invitae), Labcorp).